The following is an entry in ClinVar:

ClinVar aggregate classification (germline): Uncertain significance (1 of 4 stars; one submission).

Conditions:
Landau-Kleffner syndrome (FESD). Also called: EPILEPSY, FOCAL, WITH SPEECH DISORDER AND WITH OR WITHOUT MENTAL RETARDATION; APHASIA, ACQUIRED, WITH EPILEPSY. Identifiers: Orphanet 1945, Orphanet 725, Orphanet 98818, MedGen C0282512, MONDO:0009509, OMIM 245570.

Submission:

Labcorp Genetics (formerly Invitae), Labcorp
Classification: Uncertain significance for Landau-Kleffner syndrome. Last evaluated: 2024-03-16. Review status: criteria provided, single submitter. Criteria: Invitae Variant Classification Sherloc (09022015). Collection method: clinical testing. Allele origin: germline.
Comment: This sequence change replaces glutamine, which is neutral and polar, with arginine, which is basic and polar, at codon 981 of the GRIN2A protein (p.Gln981Arg). This variant is not present in population databases (gnomAD no frequency). This variant has not been reported in the literature in individuals affected with GRIN2A-related conditions. Advanced modeling of protein sequence and biophysical properties (such as structural, functional, and spatial information, amino acid conservation, physicochemical variation, residue mobility, and thermodynamic stability) performed at Invitae indicates that this missense variant is not expected to disrupt GRIN2A protein function with a negative predictive value of 95%. In summary, the available evidence is currently insufficient to determine the role of this variant in disease. Therefore, it has been classified as a Variant of Uncertain Significance.

NM_001134407.3(GRIN2A):c.2942A>G (p.Gln981Arg)

Gene: GRIN2A (glutamate ionotropic receptor NMDA type subunit 2A; minus strand). Cytogenetic location: 16p13.2.
Variant type: single nucleotide variant.
Coding change: c.2942A>G on transcript NM_001134407.3 (MANE Select); coding-DNA position 2942, A replaced by G.
Protein change: p.Gln981Arg; replaces glutamine 981 with arginine.
Molecular consequence: missense variant.
Genome position (GRCh38, 1-based): chr16:9,764,602, T>C on the plus strand (A>G on the coding strand, the complement: GRIN2A is on the minus strand). VCF-style: chr16-9764602-T-C. GRCh37 (hg19) VCF-style: chr16-9858459-T-C.
Other names: c.2942A>G, p.Gln981Arg (NM_000833.5, NM_001134408.2); short protein forms Q981R.
Identifiers: ClinVar variation 3684575 (VCV003684575.2).